The following is an entry in ClinVar:

NM_001267550.2(TTN):c.94593G>C (p.Ala31531=)

Genes: TTN (titin; minus strand), TTN-AS1 (TTN antisense RNA 1; plus strand). Cytogenetic location: 2q31.2.
Variant type: single nucleotide variant.
Coding change: c.94593G>C on transcript NM_001267550.2 (MANE Select); coding-DNA position 94593, G replaced by C.
Protein change: p.Ala31531=; no amino-acid change (alanine 31531 retained).
Molecular consequence: synonymous variant.
Genome position (GRCh38, 1-based): chr2:178,546,835, C>G on the plus strand (G>C on the coding strand, the complement: TTN is on the minus strand). VCF-style: chr2-178546835-C-G. GRCh37 (hg19) VCF-style: chr2-179411562-C-G.
Other names: c.89670G>C, p.Ala29890= (NM_001256850.1); c.67398G>C, p.Ala22466= (NM_003319.4); c.86889G>C, p.Ala28963= (NM_133378.4); c.67773G>C, p.Ala22591= (NM_133432.3); c.67974G>C, p.Ala22658= (NM_133437.4).
Identifiers: ClinVar variation 511967 (VCV000511967.12), dbSNP rs373301015, ClinGen allele CA1987096.
Genomic context (GRCh38, chr2:178,546,835, plus strand): 5'-TACCTCACTGACTGGCTTACGCTCTATGATGTAGCCCACAACCTTGCTGCCTCCATCATA[C>G]GCTGGGGCAGACCAAATCAGTGATACTGTTGATCTTGTGACATCTGTCACCTCTGGTCTG-3'
Protein context (NP_001254479.2, residues 31521-31541): STVSLIWSAP[Ala31531=]YDGGSKVVGY

ClinVar aggregate classification (germline): Likely benign. Review status: criteria provided, multiple submitters, no conflicts (2 of 4 stars). 3 submissions from 3 submitters: Likely benign (3). Last evaluated 2025-10-22.

Conditions:
Cardiovascular phenotype. Identifiers: MedGen CN230736.
Autosomal recessive limb-girdle muscular dystrophy type 2J (LGMDR10). Also called: MUSCULAR DYSTROPHY, LIMB-GIRDLE, AUTOSOMAL RECESSIVE 10; Limb-girdle muscular dystrophy, type 2J. Identifiers: Orphanet 140922, MedGen C1837342, MONDO:0012127, OMIM 608807.
Dilated cardiomyopathy 1G (CMD1G). Identifiers: Orphanet 154, MedGen C1858763, MONDO:0011400, OMIM 604145.

Allele frequency attached by ClinVar (database versions not stated): TOPMed 0.00002.
gnomAD v4.1: 12 of 1,608,302 alleles (0.00075%); highest among the groups gnomAD compares: Admixed American, 0.018%; no homozygotes.

Submissions (3):

Labcorp Genetics (formerly Invitae), Labcorp
Classification: Likely benign for Dilated cardiomyopathy 1G; Autosomal recessive limb-girdle muscular dystrophy type 2J. Last evaluated: 2025-10-22. Review status: criteria provided, single submitter. Criteria: Invitae Variant Classification Sherloc (09022015). Collection method: clinical testing. Allele origin: germline.

Ambry Genetics
Classification: Likely benign for Cardiovascular phenotype. Last evaluated: 2020-10-26. Review status: criteria provided, single submitter. Criteria: Ambry Variant Classification Scheme 2023. Collection method: clinical testing. Allele origin: germline.

GeneDx
Classification: Likely benign. Last evaluated: 2017-09-06. Review status: criteria provided, single submitter. Criteria: GeneDx Variant Classification (06012015). Collection method: clinical testing. Allele origin: germline. Affected: yes.
Comment: This variant is considered likely benign or benign based on one or more of the following criteria: it is a conservative change, it occurs at a poorly conserved position in the protein, it is predicted to be benign by multiple in silico algorithms, and/or has population frequency not consistent with disease.